The following is an entry in ClinVar:

ClinVar aggregate classification (germline): Uncertain significance (1 of 4 stars; one submission).

Conditions:
Autosomal recessive severe congenital neutropenia due to CSF3R deficiency. Also called: Neutropenia, severe congenital, 7, autosomal recessive. Identifiers: Orphanet 420702, MedGen C4310764, MONDO:0014865, OMIM 617014.

gnomAD v4.1: 1 of 1,613,030 alleles (0.000062%); highest among the groups gnomAD compares: Non-Finnish European, 0.000085%; no homozygotes.

Submission:

Victorian Clinical Genetics Services, Murdoch Childrens Research Institute
Classification: Uncertain significance for Autosomal recessive severe congenital neutropenia due to CSF3R deficiency. Last evaluated: 2020-05-21. Review status: criteria provided, single submitter. Criteria: ACMG Guidelines, 2015. Collection method: clinical testing. Allele origin: germline. Inheritance: Autosomal recessive inheritance.
Comment: Based on the classification scheme VCGS_Germline_v1.1.0, this variant is classified as VOUS - 3C. Following criteria are met: 0102 - Loss-of-function is a known mechanism of disease for this gene. (N) 0106 - This gene is known to be associated with autosomal recessive disease. (N) 0200 - Variant is predicted to result in a missense amino acid change from alanine to lysine (exon 17) (N) 0251 - Variant is heterozygous. (N) 0301 - Variant is absent from gnomAD. (P) 0309 - An alternative amino acid change at the same position has been observed in gnomAD (9 Heterozygotes, 0 Homozygotes). 0503 - Missense variant consistently predicted to be tolerated or not conserved in mammals with a minor amino acid change. (B) 0604 - Variant is not located in an established domain, motif, hotspot or informative constraint region. (N) 0705 - No comparable variants have previous evidence for pathogenicity. (N) 0807 - Variant has not previously been reported in a clinical context (N) 0905 - No segregation evidence has been identified for this variant. (N) 1007 - No published functional evidence has been identified for this variant. (N) Legend: (P) - Pathogenic, (N) - Neutral, (B) - Benign

NM_000760.4(CSF3R):c.2495C>A (p.Ala832Glu)

Gene: CSF3R (colony stimulating factor 3 receptor; minus strand). Cytogenetic location: 1p34.3.
Variant type: single nucleotide variant.
Coding change: c.2495C>A on transcript NM_000760.4 (MANE Select); coding-DNA position 2495, C replaced by A.
Protein change: p.Ala832Glu; replaces alanine 832 with glutamic acid.
Molecular consequence: missense variant. On other transcripts: intron variant (1).
Genome position (GRCh38, 1-based): chr1:36,466,373, G>T on the plus strand (C>A on the coding strand, the complement: CSF3R is on the minus strand). VCF-style: chr1-36466373-G-T. GRCh37 (hg19) VCF-style: chr1-36931974-G-T.
Other names: c.2576C>A, p.Ala859Glu (NM_156039.3); c.2248-173C>A (NM_172313.3); short protein forms A832E, A859E.
Identifiers: ClinVar variation 1805812 (VCV001805812.1), dbSNP rs372972496, ClinGen allele CA339412604.